The following is an entry in ClinVar:

ClinVar aggregate classification (germline): Pathogenic. Review status: criteria provided, single submitter (1 of 4 stars). 2 submissions from 2 submitters: Pathogenic (1). 1 of the submissions does not count toward it. Last evaluated 2025-09-02.

Conditions:
Amyotrophic lateral sclerosis type 1 (ALS1). Also called: AMYOTROPHIC LATERAL SCLEROSIS 1, FAMILIAL. Identifiers: Orphanet 803, MedGen C1862939, MONDO:0007103, OMIM 105400.

Submissions (2):

Labcorp Genetics (formerly Invitae), Labcorp
Classification: Pathogenic for Amyotrophic lateral sclerosis type 1. Last evaluated: 2025-09-02. Review status: criteria provided, single submitter. Criteria: Invitae Variant Classification Sherloc (09022015). Collection method: clinical testing. Allele origin: germline.
Comment: This sequence change replaces alanine, which is neutral and non-polar, with threonine, which is neutral and polar, at codon 146 of the SOD1 protein (p.Ala146Thr). This variant is not present in population databases (gnomAD no frequency). This missense change has been observed in individuals with autosomal dominant amyotrophic lateral sclerosis (ALS) (PMID: 7496169, 14506936, 22292843, 33408239, 36661322). This variant is also known as p.Ala145Thr. ClinVar contains an entry for this variant (Variation ID: 14769). Invitae Evidence Modeling of protein sequence and biophysical properties (such as structural, functional, and spatial information, amino acid conservation, physicochemical variation, residue mobility, and thermodynamic stability) indicates that this missense variant is expected to disrupt SOD1 protein function with a positive predictive value of 95%. Experimental studies have shown that this missense change affects SOD1 function (PMID: 23280792). For these reasons, this variant has been classified as Pathogenic.

OMIM
Classification: Pathogenic for AMYOTROPHIC LATERAL SCLEROSIS 1. Last evaluated: 1995-09-01. Review status: no assertion criteria provided. Collection method: literature only. Allele origin: germline. Not counted in ClinVar's aggregate classification.

Literature cited by the submitters: PubMed 7496169 (cited by Labcorp Genetics (formerly Invitae), Labcorp and OMIM); PubMed 14506936 (cited by Labcorp Genetics (formerly Invitae), Labcorp); PubMed 22292843 (cited by Labcorp Genetics (formerly Invitae), Labcorp); PubMed 33408239 (cited by Labcorp Genetics (formerly Invitae), Labcorp); PubMed 36661322 (cited by Labcorp Genetics (formerly Invitae), Labcorp); PubMed 23280792 (cited by Labcorp Genetics (formerly Invitae), Labcorp).

NM_000454.5(SOD1):c.436G>A (p.Ala146Thr)

Gene: SOD1 (superoxide dismutase 1; plus strand). Cytogenetic location: 21q22.11.
Variant type: single nucleotide variant.
Coding change: c.436G>A on transcript NM_000454.5 (MANE Select); coding-DNA position 436, G replaced by A.
Protein change: p.Ala146Thr; replaces alanine 146 with threonine.
Molecular consequence: missense variant.
Genome position (GRCh38, 1-based): chr21:31,668,549, G>A. VCF-style: chr21-31668549-G-A. GRCh37 (hg19) VCF-style: chr21-33040862-G-A.
Other names: A145T; short protein forms A146T.
Identifiers: ClinVar variation 14769 (VCV000014769.6), dbSNP rs121912447, ClinGen allele CA257341.
Genomic context (GRCh38, chr21:31,668,549, plus strand): 5'-GACTTGGGCAAAGGTGGAAATGAAGAAAGTACAAAGACAGGAAACGCTGGAAGTCGTTTG[G>A]CTTGTGGTGTAATTGGGATCGCCCAATAAACATTCCCTTGGATGTAGTCTGAGGCCCCTT-3'
Protein context (NP_000445.1, residues 136-154): TKTGNAGSRL[Ala146Thr]CGVIGIAQ